The following is an entry in ClinVar:

ClinVar aggregate classification (germline): Benign/Likely benign. Review status: criteria provided, multiple submitters, no conflicts (2 of 4 stars). 14 submissions from 14 submitters: Benign (4); Likely benign (10). Last evaluated 2026-01-23.

Conditions:
Breast-ovarian cancer, familial, susceptibility to, 2 (BROVCA2). Also called: BRCA2 Hereditary Breast and Ovarian Cancer. Identifiers: Orphanet 145, MedGen C2675520, MONDO:0012933, OMIM 612555. Disease mechanism: loss of function.
Hereditary breast ovarian cancer syndrome. Also called: Hereditary breast and ovarian cancer; Hereditary breast and ovarian cancer syndrome (HBOC); BRCA1- and BRCA2-Associated Hereditary Breast and Ovarian Cancer; Hereditary breast and ovarian cancer syndrome; Breast and ovarian cancer; Hereditary breast and/or ovarian cancer syndrome. Identifiers: Orphanet 145, MedGen C0677776, MeSH D061325, MONDO:0003582. Disease mechanism: loss of function.
Breast and/or ovarian cancer. Identifiers: MedGen CN221562.
Hereditary cancer-predisposing syndrome. Also called: Hereditary neoplastic syndrome; Tumor predisposition; Hereditary Cancer Syndrome; Neoplastic Syndromes, Hereditary. Identifiers: Orphanet 140162, MedGen C0027672, MeSH D009386, MONDO:0015356.

Allele frequency attached by ClinVar (database versions not stated): gnomAD exomes 0.00018 and 0.00048; ExAC 0.00073; gnomAD 0.00192 and 0.00208; TOPMed 0.00214; 1000 Genomes Project 30x 0.00219; 1000 Genomes Project 0.00240.
gnomAD v4.1: 564 of 1,612,378 alleles (0.035%); highest among the groups gnomAD compares: African/African-American, 0.68%; 3 homozygotes.

Submissions (14):

Labcorp Genetics (formerly Invitae), Labcorp
Classification: Benign for Hereditary breast ovarian cancer syndrome. Last evaluated: 2026-01-23. Review status: criteria provided, single submitter. Criteria: Invitae Variant Classification Sherloc (09022015). Collection method: clinical testing. Allele origin: germline.

Dasa
Classification: Likely benign for Breast-ovarian cancer, familial, susceptibility to, 2. Last evaluated: 2025-12-02. Review status: criteria provided, single submitter. Criteria: DASA Assertion Criteria. Collection method: clinical testing. Allele origin: germline.
Comment: NM_000059.4(BRCA2):c.2927C>T (p.Ser976Phe) is a missense variant that results in the substitution of serine with phenylalanine. Population frequency is inconsistent with a disease-causing role for this variant, and observations in unaffected individuals support a benign interpretation. Computational prediction algorithms are consistent with a benign effect. Therefore, based on the currently available evidence, this variant is classified as likely benign.

Women's Health and Genetics/Laboratory Corporation of America, LabCorp
Classification: Likely benign. Last evaluated: 2025-04-25. Review status: criteria provided, single submitter. Criteria: LabCorp Variant Classification Summary - May 2015. Collection method: clinical testing. Allele origin: germline.
Comment: Variant summary: BRCA2 c.2927C>T (p.Ser976Phe) results in a non-conservative amino acid change in the encoded protein sequence. Three of five in-silico tools predict a benign effect of the variant on protein function. The variant allele was found at a frequency of 0.00048 in 249442 control chromosomes, predominantly at a frequency of 0.0068 within the African or African-American subpopulation in the gnomAD database. The observed variant frequency within African or African-American control individuals in the gnomAD database is approximately 9.06 fold of the estimated maximal expected allele frequency for a pathogenic variant in BRCA2 causing Hereditary Breast And Ovarian Cancer Syndrome phenotype (0.00075). c.2927C>T has been observed in an individual(s) affected with breast cancer (e.g., Serio_2024). These report(s) do not provide unequivocal conclusions about association of the variant with Hereditary Breast And Ovarian Cancer Syndrome. To our knowledge, no experimental evidence demonstrating an impact on protein function has been reported. The following publication has been ascertained in the context of this evaluation (PMID: 39208653). ClinVar contains an entry for this variant (Variation ID: 434528). Based on the evidence outlined above, the variant was classified as likely benign.

ARUP Laboratories, Molecular Genetics and Genomics, ARUP Laboratories
Classification: Likely benign. Last evaluated: 2024-09-13. Review status: criteria provided, single submitter. Criteria: ARUP Molecular Germline Variant Investigation Process 2024. Collection method: clinical testing. Allele origin: germline.

Blueprint Genetics
Classification: Likely benign. Last evaluated: 2023-12-14. Review status: criteria provided, single submitter. Criteria: ACMG Guidelines, 2015. Collection method: clinical testing. Allele origin: germline.

Institute for Biomarker Research, Medical Diagnostic Laboratories, L.L.C.
Classification: Benign for Hereditary breast ovarian cancer syndrome. Last evaluated: 2022-09-27. Review status: criteria provided, single submitter. Criteria: ACMG Guidelines, 2015. Collection method: clinical testing. Allele origin: germline.

Genetics Program, Instituto Nacional de Cancer
Classification: Likely benign for Hereditary breast ovarian cancer syndrome. Last evaluated: 2021-11-01. Review status: criteria provided, single submitter. Criteria: ACMG Guidelines, 2015. Collection method: research. Allele origin: germline. Affected: yes.

CHEO Genetics Diagnostic Laboratory, Children's Hospital of Eastern Ontario
Classification: Likely benign for Breast and/or ovarian cancer. Last evaluated: 2021-06-29. Review status: criteria provided, single submitter. Criteria: ACMG Guidelines, 2015. Collection method: clinical testing. Allele origin: germline.

Sema4
Classification: Benign for Hereditary cancer-predisposing syndrome. Last evaluated: 2020-11-28. Review status: criteria provided, single submitter. Criteria: Sema4 Curation Guidelines. Collection method: curation. Allele origin: germline.

Mendelics
Classification: Likely benign for Breast-ovarian cancer, familial, susceptibility to, 2. Last evaluated: 2019-05-28. Review status: criteria provided, single submitter. Criteria: Mendelics Assertion Criteria 2017. Collection method: clinical testing. Allele origin: unknown.

Ambry Genetics
Classification: Likely benign for Hereditary cancer-predisposing syndrome. Last evaluated: 2018-06-22. Review status: criteria provided, single submitter. Criteria: Ambry Variant Classification Scheme 2023. Collection method: clinical testing. Allele origin: germline.

Genetic Services Laboratory, University of Chicago
Classification: Likely benign. Last evaluated: 2017-02-07. Review status: criteria provided, single submitter. Criteria: ACMG Guidelines, 2015. Collection method: clinical testing. Allele origin: germline. Affected: no.

Color Diagnostics, LLC DBA Color Health
Classification: Benign for Hereditary cancer-predisposing syndrome. Last evaluated: 2015-09-23. Review status: criteria provided, single submitter. Criteria: ACMG Guidelines, 2015. Collection method: clinical testing. Allele origin: germline.

Breakthrough Genomics
Classification: Likely benign. Review status: criteria provided, single submitter. Criteria: ACMG Guidelines, 2015. Collection method: not provided. Allele origin: germline. Inheritance: Autosomal recessive inheritance. Affected: yes.

Literature cited by the submitters: PubMed 39208653 (cited by Women's Health and Genetics/Laboratory Corporation of America, LabCorp); PubMed 36329109 (cited by Genetics Program, Instituto Nacional de Cancer).

NM_000059.4(BRCA2):c.2927C>T (p.Ser976Phe)

Gene: BRCA2 (BRCA2 DNA repair associated; plus strand). Cytogenetic location: 13q13.1.
Variant type: single nucleotide variant.
Coding change: c.2927C>T on transcript NM_000059.4 (MANE Select); coding-DNA position 2927, C replaced by T.
Protein change: p.Ser976Phe; replaces serine 976 with phenylalanine.
Molecular consequence: missense variant.
Genome position (GRCh38, 1-based): chr13:32,337,282, C>T. VCF-style: chr13-32337282-C-T. GRCh37 (hg19) VCF-style: chr13-32911419-C-T.
Other names: short protein forms S976F.
Identifiers: ClinVar variation 434528 (VCV000434528.55), dbSNP rs11571656, ClinGen allele CA6940643.